The following is an entry in ClinVar:

ClinVar aggregate classification (germline): Conflicting classifications of pathogenicity. Review status: criteria provided, conflicting classifications (1 of 4 stars). 7 submissions from 7 submitters: Likely pathogenic (3); Uncertain significance (4). Last evaluated 2026-01-10.

Conditions:
SRD5A3-congenital disorder of glycosylation. Also called: CDG Iq; Ocular colobomas, ichthyosis, brain malformations and endocrine abnormalities; Congenital disorder of glycosylation type 1Q; COLOBOMA, OCULAR, WITH ICHTHYOSIS, BRAIN MALFORMATIONS, AND ENDOCRINE ABNORMALITIES; SRD5A3-CDG. Identifiers: Orphanet 324737, MedGen C4317224, MONDO:0012885, OMIM 612379.
Kahrizi syndrome (KHRZ). Also called: MENTAL RETARDATION, CATARACT, COLOBOMA, AND KYPHOSIS, AUTOSOMAL RECESSIVE. Identifiers: MedGen C2675185, MONDO:0012991, OMIM 612713.
SRD5A3-related disorder. Also called: SRD5A3-Related Disorders; SRD5A3-related condition.

Allele frequency attached by ClinVar (database versions not stated): TOPMed below 0.00001; gnomAD 0.00001; gnomAD exomes 0.00001; ExAC 0.00002.
gnomAD v4.1: 12 of 1,613,976 alleles (0.00074%); highest among the groups gnomAD compares: South Asian, 0.0088%; no homozygotes.

Submissions (7):

3billion
Classification: Uncertain significance for SRD5A3-congenital disorder of glycosylation. Last evaluated: 2026-01-10. Review status: criteria provided, single submitter. Criteria: ACMG Guidelines, 2015. Collection method: clinical testing. Allele origin: germline. Affected: yes.
Comment: The variant is observed at an extremely low frequency in the gnomAD v4.1.0 dataset (total allele frequency: <0.001%). Predicted Consequence/Location: Missense variant. In silico tool predictions suggest damaging effect of the variant on gene or gene product [REVEL: 0.66 (>=0.6, sensitivity 0.68 and specificity 0.92)]. The same nucleotide change resulting in the same amino acid change has been previously reported to be associated with SRD5A3-related disorder (ClinVar ID: VCV002506565 /PMID: 21937992). However, the evidence of pathogenicity is insufficient at this time. Therefore, this variant is classified as VUS according to the recommendation of ACMG/AMP guideline.

Medical Molecular Genetics, National Research Centre
Classification: Uncertain significance for SRD5A3-congenital disorder of glycosylation. Last evaluated: 2025-11-01. Review status: criteria provided, single submitter. Criteria: ACMG Guidelines, 2015. Collection method: research. Allele origin: inherited. Affected: yes.

Palindrome, Gene Kavoshgaran Aria
Classification: Likely pathogenic for Kahrizi syndrome. Last evaluated: 2025-02-16. Review status: criteria provided, single submitter. Criteria: ACMG Guidelines, 2015. Collection method: clinical testing. Allele origin: germline. Inheritance: Autosomal recessive inheritance. Affected: yes. Observed: 1 homozygote. Segregation with disease observed.

Molecular Genetics, Royal Melbourne Hospital
Classification: Likely pathogenic for SRD5A3-congenital disorder of glycosylation. Last evaluated: 2024-12-06. Review status: criteria provided, single submitter. Criteria: ACMG Guidelines, 2015. Collection method: clinical testing. Allele origin: germline. Inheritance: Autosomal recessive inheritance. Affected: yes.
Comment: This sequence change in SRD5A3 is predicted to replace tyrosine with cysteine at codon 169, p.(Tyr169Cys). The tyrosine residue is highly conserved (100 vertebrates, Multiz Alignments), and is located in the 3-oxo-5-alpha-steroid 4-dehydrogenase C-terminal domain. There is a large physicochemical difference between tyrosine and cysteine. The highest population minor allele frequency in the population database gnomAD v4.1 is 0.009% (8/91,080 alleles) in the South Asian population, consistent with recessive disease. This variant has been detected as homozygous in at least four individuals with a phenotype consistent with SRD5A3-congenital disorder of glycosylation and segregates with disease in two families (PMID: 21937992; doi: DOI 10.1101/2024.01.08.23299914; ClinVar: SCV003935142.1; this individual). Computational evidence predicts a deleterious effect for the missense substitution (REVEL = 0.664) and predicts no impact on splicing (SpliceAI) for the nucleotide change. Based on the classification scheme RMH Modified ACMG/AMP Guidelines v1.7.0, this variant is classified as LIKELY PATHOGENIC. Following criteria are met: PM2_Supporting, PM3, PP1_Strong, PP3.

Blueprint Genetics
Classification: Likely pathogenic for SRD5A3-related disorders. Last evaluated: 2024-09-24. Review status: criteria provided, single submitter. Criteria: ACMG Guidelines, 2015. Collection method: clinical testing. Allele origin: germline. Affected: yes. Observed: 2 variant alleles.

GeneDx
Classification: Uncertain significance. Last evaluated: 2023-09-07. Review status: criteria provided, single submitter. Criteria: GeneDx Variant Classification Process June 2021. Collection method: clinical testing. Allele origin: germline. Affected: yes.
Comment: In silico analysis supports that this missense variant has a deleterious effect on protein structure/function; This variant is associated with the following publications: (PMID: 21937992)

Institute of Medical Genetics and Genomics, Sir Ganga Ram Hospital
Classification: Uncertain significance for SRD5A3-congenital disorder of glycosylation. Last evaluated: 2023-06-24. Review status: criteria provided, single submitter. Criteria: ACMG Guidelines, 2015. Collection method: clinical testing. Allele origin: inherited. Inheritance: Autosomal recessive inheritance. Affected: yes. Observed: 1 homozygote.
Comment: This variant has been identified in 0.0028% in gnomAD (aggregated) (PM2_moderate).

Literature cited by the submitters: PubMed 21937992 (cited by 3billion and Molecular Genetics, Royal Melbourne Hospital).

NM_024592.5(SRD5A3):c.506A>G (p.Tyr169Cys)

Gene: SRD5A3 (steroid 5 alpha-reductase 3; plus strand). Cytogenetic location: 4q12.
Variant type: single nucleotide variant.
Coding change: c.506A>G on transcript NM_024592.5 (MANE Select); coding-DNA position 506, A replaced by G.
Protein change: p.Tyr169Cys; replaces tyrosine 169 with cysteine.
Molecular consequence: missense variant.
Genome position (GRCh38, 1-based): chr4:55,364,215, A>G. VCF-style: chr4-55364215-A-G. GRCh37 (hg19) VCF-style: chr4-56230382-A-G.
Other names: c.506A>G (NM_024592.4); c.506A>G, p.Tyr169Cys (NM_001410732.1); short protein forms Y169C.
Identifiers: ClinVar variation 2506565 (VCV002506565.8), dbSNP rs754837473, ClinGen allele CA2925308.
Genomic context (GRCh38, chr4:55,364,215, plus strand): 5'-ACGTCAGTGTCTTCTCCAATGTCATGATTCACGTCGTGCAGTACTGTTTTGGACTTGTCT[A>G]TTATGTCCTTGTTGGCCTAACTGTGCTGAGCCAAGTGCCAATGGATGGCAGGAATGGTGA-3'
Protein context (NP_078868.1, residues 159-179): HVVQYCFGLV[Tyr169Cys]YVLVGLTVLS